The following is an entry in ClinVar:

ClinVar aggregate classification (germline): Pathogenic. Review status: criteria provided, multiple submitters, no conflicts (2 of 4 stars). 2 submissions from 2 submitters: Pathogenic (2). Last evaluated 2025-01-09.

Conditions:
Autosomal recessive nonsyndromic hearing loss 77. Identifiers: Orphanet 90636, MedGen C2746083, MONDO:0013119, OMIM 613079.

gnomAD v4.1: 2 of 1,551,664 alleles (0.00013%); highest among the groups gnomAD compares: Non-Finnish European, 0.00017%; no homozygotes.

Submissions (2):

Institute of Rare Diseases, West China Hospital, Sichuan University
Classification: Pathogenic for Autosomal recessive nonsyndromic hearing loss 77. Last evaluated: 2025-01-09. Review status: criteria provided, single submitter. Criteria: ClinGen HL ACMG Specifications v1. Collection method: research. Allele origin: germline. Affected: yes.
Comment: PVS1;PM3_Supporting;PM2_Supporting

Myriad Genetics, Inc.
Classification: Pathogenic for Autosomal recessive nonsyndromic hearing loss 77. Last evaluated: 2023-08-22. Review status: criteria provided, single submitter. Criteria: Myriad Autosomal Dominant, Autosomal Recessive and X-Linked Classification Criteria (2023). Collection method: clinical testing. Allele origin: unknown.
Comment: NM_144612.6(LOXHD1):c.5709G>A(W1903*) is expected to be pathogenic in the context of nonsyndromic hearing loss, LOXHD1-related. This variant is predicted to lead to an abnormal or absent protein product due to the creation of a premature termination codon in LOXHD1, a gene where loss-of-function variants are known to be pathogenic. Please note: this variant was assessed in the context of healthy population screening.

NM_001384474.1(LOXHD1):c.5895G>A (p.Trp1965Ter)

Gene: LOXHD1 (lipoxygenase homology PLAT domains 1; minus strand). Cytogenetic location: 18q21.1.
Variant type: single nucleotide variant.
Coding change: c.5895G>A on transcript NM_001384474.1 (MANE Select); coding-DNA position 5895, G replaced by A.
Protein change: p.Trp1965Ter; replaces tryptophan 1965 with a stop codon.
Molecular consequence: nonsense.
Genome position (GRCh38, 1-based): chr18:46,489,126, C>T on the plus strand (G>A on the coding strand, the complement: LOXHD1 is on the minus strand). VCF-style: chr18-46489126-C-T. GRCh37 (hg19) VCF-style: chr18-44069089-C-T.
Other names: c.2562G>A, p.Trp854Ter (NM_001145472.3); c.612G>A, p.Trp204Ter (NM_001145473.3, NM_001173129.2); c.2274G>A, p.Trp758Ter (NM_001308013.2); c.5709G>A, p.Trp1903Ter (NM_144612.7); short protein forms W1903*, W1965*, W204*, W758*, W854*.
Identifiers: ClinVar variation 3601209 (VCV003601209.2).